The following is an entry in ClinVar:

ClinVar aggregate classification (germline): Uncertain significance. Review status: criteria provided, multiple submitters, no conflicts (2 of 4 stars). 2 submissions from 2 submitters: Uncertain significance (2). Last evaluated 2026-01-06.

Allele frequency attached by ClinVar (database versions not stated): gnomAD exomes 0.00007; ExAC 0.00010; 1000 Genomes Project 30x 0.00016; 1000 Genomes Project 0.00020.

Submissions (2):

Labcorp Genetics (formerly Invitae), Labcorp
Classification: Uncertain significance. Last evaluated: 2026-01-06. Review status: criteria provided, single submitter. Criteria: Invitae Variant Classification Sherloc (09022015). Collection method: clinical testing. Allele origin: germline.
Comment: This sequence change replaces proline, which is neutral and non-polar, with threonine, which is neutral and polar, at codon 608 of the ANKZF1 protein (p.Pro608Thr). This variant is present in population databases (rs553223099, gnomAD 0.06%), and has an allele count higher than expected for a pathogenic variant. This variant has not been reported in the literature in individuals affected with ANKZF1-related conditions. ClinVar contains an entry for this variant (Variation ID: 1421355). An algorithm developed to predict the effect of missense changes on protein structure and function (PolyPhen-2) suggests that this variant is likely to be tolerated. In summary, the available evidence is currently insufficient to determine the role of this variant in disease. Therefore, it has been classified as a Variant of Uncertain Significance.

Ambry Genetics
Classification: Uncertain significance. Last evaluated: 2025-06-11. Review status: criteria provided, single submitter. Criteria: Ambry Variant Classification Scheme 2023. Collection method: clinical testing. Allele origin: germline.

NM_018089.3(ANKZF1):c.1822C>A (p.Pro608Thr)

Gene: ANKZF1 (ankyrin repeat and zinc finger peptidyl tRNA hydrolase 1; plus strand). Cytogenetic location: 2q35.
Variant type: single nucleotide variant.
Coding change: c.1822C>A on transcript NM_018089.3 (MANE Select); coding-DNA position 1822, C replaced by A.
Protein change: p.Pro608Thr; replaces proline 608 with threonine.
Molecular consequence: missense variant.
Genome position (GRCh38, 1-based): chr2:219,235,726, C>A. VCF-style: chr2-219235726-C-A. GRCh37 (hg19) VCF-style: chr2-220100448-C-A.
Other names: c.1822C>A (NM_018089.2); c.1822C>A, p.Pro608Thr (NM_001042410.2); c.1192C>A, p.Pro398Thr (NM_001282792.2); short protein forms P398T, P608T.
Identifiers: ClinVar variation 1421355 (VCV001421355.10), dbSNP rs553223099, ClinGen allele CA2121199.